The following is an entry in ClinVar:

NM_173728.4(ARHGEF15):c.1132A>T (p.Asn378Tyr)

Gene: ARHGEF15 (Rho guanine nucleotide exchange factor 15; plus strand). Cytogenetic location: 17p13.1.
Variant type: single nucleotide variant.
Coding change: c.1132A>T on transcript NM_173728.4 (MANE Select); coding-DNA position 1132, A replaced by T.
Protein change: p.Asn378Tyr; replaces asparagine 378 with tyrosine.
Molecular consequence: missense variant.
Genome position (GRCh38, 1-based): chr17:8,315,149, A>T. VCF-style: chr17-8315149-A-T. GRCh37 (hg19) VCF-style: chr17-8218467-A-T.
Other names: c.1132A>T, p.Asn378Tyr (NM_025014.2); c.1132A>T (NM_173728.3); short protein forms N378Y.
Identifiers: ClinVar variation 2718868 (VCV002718868.4), dbSNP rs768325182, ClinGen allele CA8375096.

ClinVar aggregate classification (germline): Uncertain significance. Review status: criteria provided, multiple submitters, no conflicts (2 of 4 stars). 2 submissions from 2 submitters: Uncertain significance (2). Last evaluated 2025-04-30.

Conditions:
Early-infantile DEE. Also called: Early infantile epileptic encephalopathy; Early infantile epileptic encephalopathy with suppression bursts; Ohtahara syndrome. Identifiers: Orphanet 1934, MedGen C0393706, MONDO:0800491.

Allele frequency attached by ClinVar (database versions not stated): ExAC 0.00006; gnomAD exomes 0.00002; TOPMed 0.00003; gnomAD 0.00009.
gnomAD v4.1: 47 of 1,613,812 alleles (0.0029%); highest among the groups gnomAD compares: South Asian, 0.031%; 1 homozygote.

Submissions (2):

Ambry Genetics
Classification: Uncertain significance. Last evaluated: 2025-04-30. Review status: criteria provided, single submitter. Criteria: Ambry Variant Classification Scheme 2023. Collection method: clinical testing. Allele origin: germline.

Labcorp Genetics (formerly Invitae), Labcorp
Classification: Uncertain significance for Early-infantile DEE. Last evaluated: 2024-11-25. Review status: criteria provided, single submitter. Criteria: Invitae Variant Classification Sherloc (09022015). Collection method: clinical testing. Allele origin: germline.
Comment: This sequence change replaces asparagine, which is neutral and polar, with tyrosine, which is neutral and polar, at codon 378 of the ARHGEF15 protein (p.Asn378Tyr). This variant is present in population databases (rs768325182, gnomAD 0.03%), and has an allele count higher than expected for a pathogenic variant. This variant has not been reported in the literature in individuals affected with ARHGEF15-related conditions. ClinVar contains an entry for this variant (Variation ID: 2718868). An algorithm developed to predict the effect of missense changes on protein structure and function (PolyPhen-2) suggests that this variant is likely to be tolerated. In summary, the available evidence is currently insufficient to determine the role of this variant in disease. Therefore, it has been classified as a Variant of Uncertain Significance.